The following is an entry in ClinVar:

NM_012434.5(SLC17A5):c.308G>A (p.Trp103Ter)

Genes: SLC17A5 (solute carrier family 17 member 5; minus strand), LOC132089454 (Neanderthal introgressed variant-containing enhancer experimental_94412; plus strand). Cytogenetic location: 6q13.
Variant type: single nucleotide variant.
Coding change: c.308G>A on transcript NM_012434.5 (MANE Select); coding-DNA position 308, G replaced by A.
Protein change: p.Trp103Ter; replaces tryptophan 103 with a stop codon.
Molecular consequence: nonsense.
Genome position (GRCh38, 1-based): chr6:73,641,908, C>T on the plus strand (G>A on the coding strand, the complement: SLC17A5 is on the minus strand). VCF-style: chr6-73641908-C-T. GRCh37 (hg19) VCF-style: chr6-74351631-C-T.
Other names: c.77G>A, p.Trp26Ter (NM_001382629.1, NM_001382636.1); c.308G>A, p.Trp103Ter (NM_001382630.1, NM_001382632.1, NM_001382633.1 and 2 more transcripts); c.329G>A, p.Trp110Ter (NM_001382631.1); short protein forms W103*, W110*, W26*.
Identifiers: ClinVar variation 2678774 (VCV002678774.2), dbSNP rs1299876653, ClinGen allele CA364718351.

ClinVar aggregate classification (germline): Pathogenic/Likely pathogenic. Review status: criteria provided, multiple submitters, no conflicts (2 of 4 stars). 2 submissions from 2 submitters: Pathogenic (1); Likely pathogenic (1). Last evaluated 2026-05-24.

Conditions:
Salla disease (SD). Also called: Sialuria, Finnish type; N-acetylneuraminic acid (NANA) storage disease (NSD); Infantile sialic acid storage disorder (ISSD); Less Severe FSASD (Salla Disease). Identifiers: Orphanet 309334, Orphanet 834, MedGen C1096903, MONDO:0011449, OMIM 604369.
Sialic acid storage disease, severe infantile type (ISSD). Also called: Free sialic acid storage disease, infantile form; N-ACETYLNEURAMINIC ACID STORAGE DISEASE; NANA STORAGE DISEASE; SIALURIA, INFANTILE FORM; INFANTILE SIALIC ACID STORAGE DISORDER; Infantile Sialic Acid Storage Disease. Identifiers: Orphanet 309324, Orphanet 834, MedGen C1096902, MONDO:0010027, OMIM 269920.

Submissions (2):

Myriad Genetics, Inc.
Classification: Pathogenic for Sialic acid storage disease, severe infantile type. Last evaluated: 2026-05-24. Review status: criteria provided, single submitter. Criteria: Myriad Autosomal Dominant, Autosomal Recessive and X-Linked Classification Criteria (2023). Collection method: clinical testing. Allele origin: unknown.
Comment: NM_012434.4(SLC17A5):c.308G>A(W103*) is expected to be pathogenic in the context of free sialic acid storage disorders. This variant is predicted to lead to an abnormal or absent protein product due to the creation of a premature termination codon in SLC17A5, a gene where loss-of-function variants are known to be pathogenic. Please note: this variant was assessed in the context of healthy population screening.

Baylor Genetics
Classification: Likely pathogenic for Salla disease. Last evaluated: 2023-06-24. Review status: criteria provided, single submitter. Criteria: ACMG Guidelines, 2015. Collection method: clinical testing. Allele origin: unknown.